The following is an entry in ClinVar:

NM_000169.3(GLA):c.-30G>A

Genes: GLA (galactosidase alpha; minus strand), RPL36A-HNRNPH2 (RPL36A-HNRNPH2 readthrough; plus strand). Cytogenetic location: Xq22.1.
Variant type: single nucleotide variant.
Coding change: c.-30G>A on transcript NM_000169.3 (MANE Select); 30 bases upstream of the start codon, G replaced by A.
Molecular consequence: intron variant (on NM_001199973.2).
Genome position (GRCh38, 1-based): chrX:101,407,933, C>T on the plus strand (G>A on the coding strand, the complement: GLA is on the minus strand). VCF-style: chrX-101407933-C-T. GRCh37 (hg19) VCF-style: chrX-100662921-C-T.
Other names: c.301-4003C>T (NM_001199973.2); c.178-4003C>T (NM_001199974.2).
Identifiers: ClinVar variation 218430 (VCV000218430.22), dbSNP rs3027584, ClinGen allele CA277890.

ClinVar aggregate classification (germline): Benign/Likely benign. Review status: criteria provided, multiple submitters, no conflicts (2 of 4 stars). 10 submissions from 10 submitters: Benign (6); Likely benign (1). 3 of the submissions do not count toward it. Last evaluated 2026-09-08.

Conditions:
Fabry disease. Also called: GLA DEFICIENCY; HEREDITARY DYSTOPIC LIPIDOSIS; Fabry's disease; Angiokeratoma corporis diffusum; Ceramide trihexosidosis; ALPHA-GALACTOSIDASE A DEFICIENCY. Identifiers: Orphanet 324, MedGen C0002986, MONDO:0010526, OMIM 301500, HP:0001071. Disease mechanism: loss of function, Fabry disease is due to inactivating mutations in the X-linked GLA gene resulting in deficiency of the enzyme Alpha Galactosidase-A..

Allele frequency attached by ClinVar (database versions not stated): 1000 Genomes Project 30x 0.00271; 1000 Genomes Project 0.00291; TOPMed 0.00775; ESP Exome Variant Server 0.00814; gnomAD 0.00846 and 0.00873; gnomAD exomes 0.00863 and 0.01332; ExAC 0.00917.

Submissions (10):

Genomenon, Inc
Classification: Benign for Fabry disease. Last evaluated: 2026-09-08. Review status: criteria provided, single submitter. Criteria: Genomenon Sequence Variant Interpretation Standards - Updated. Collection method: curation. Allele origin: germline. Affected: no.
Comment: GLA c.-30G>A is a variant located in the 5′ untranslated region (5′ UTR). This variant is present at high allele frequency in population databases. We classify GLA c.-30G>A as a benign variant.

Labcorp Genetics (formerly Invitae), Labcorp
Classification: Benign for Fabry disease. Last evaluated: 2025-12-08. Review status: criteria provided, single submitter. Criteria: Invitae Variant Classification Sherloc (09022015). Collection method: clinical testing. Allele origin: germline.

Fulgent Genetics
Classification: Likely benign for Fabry disease. Last evaluated: 2022-04-23. Review status: criteria provided, single submitter. Criteria: ACMG Guidelines, 2015. Collection method: clinical testing. Allele origin: unknown.

Illumina Laboratory Services, Illumina
Classification: Benign for Fabry disease. Last evaluated: 2018-03-06. Review status: criteria provided, single submitter. Criteria: ICSL Variant Classification Criteria 13 December 2019. Collection method: clinical testing. Allele origin: germline.
Comment: This variant was observed in the ICSL laboratory as part of a predisposition screen in an ostensibly healthy population. It had not been previously curated by ICSL or reported in the Human Gene Mutation Database (HGMD: prior to June 1st, 2018), and was therefore a candidate for classification through an automated scoring system. Utilizing variant allele frequency, disease prevalence and penetrance estimates, and inheritance mode, an automated score was calculated to assess if this variant is too frequent to cause the disease. Based on the score and internal cut-off values, a variant classified as benign is not then subjected to further curation. The score for this variant resulted in a classification of benign for this disease.

Genomic Diagnostic Laboratory, Division of Genomic Diagnostics, Children's Hospital of Philadelphia
Classification: Benign for Fabry's disease. Last evaluated: 2015-05-11. Review status: criteria provided, single submitter. Criteria: DGD Variant Analysis Guidelines. Collection method: clinical testing. Allele origin: unknown.

GeneDx
Classification: Benign. Last evaluated: 2015-03-03. Review status: criteria provided, single submitter. Criteria: GeneDx Variant Classification Process June 2021. Collection method: clinical testing. Allele origin: germline. Affected: yes.
Comment: This variant is associated with the following publications: (PMID: 18979223, 9323559, 7672123, 25772321)

Breakthrough Genomics
Classification: Benign. Review status: criteria provided, single submitter. Criteria: ACMG Guidelines, 2015. Collection method: not provided. Allele origin: germline. Inheritance: Unknown mechanism. Affected: yes.

Natera, Inc.
Classification: Benign for Fabry disease. Last evaluated: 2020-09-16. Review status: no assertion criteria provided. Collection method: clinical testing. Allele origin: germline. Not counted in ClinVar's aggregate classification.

Clinical Genetics DNA and cytogenetics Diagnostics Lab, Erasmus MC, Erasmus Medical Center
Classification: Benign. Review status: no assertion criteria provided. Collection method: clinical testing. Allele origin: germline. Affected: yes. Study: VKGL Data-share Consensus. Not counted in ClinVar's aggregate classification.

Genome Diagnostics Laboratory, University Medical Center Utrecht
Classification: Benign. Review status: no assertion criteria provided. Collection method: clinical testing. Allele origin: germline. Affected: yes. Study: VKGL Data-share Consensus. Not counted in ClinVar's aggregate classification.